The following is an entry in ClinVar:

NM_014795.4(ZEB2):c.1317A>C (p.Leu439Phe)

Gene: ZEB2 (zinc finger E-box binding homeobox 2; minus strand). Cytogenetic location: 2q22.3.
Variant type: single nucleotide variant.
Coding change: c.1317A>C on transcript NM_014795.4 (MANE Select); coding-DNA position 1317, A replaced by C.
Protein change: p.Leu439Phe; replaces leucine 439 with phenylalanine.
Molecular consequence: missense variant.
Genome position (GRCh38, 1-based): chr2:144,399,870, T>G on the plus strand (A>C on the coding strand, the complement: ZEB2 is on the minus strand). VCF-style: chr2-144399870-T-G. GRCh37 (hg19) VCF-style: chr2-145157437-T-G.
Other names: c.1245A>C, p.Leu415Phe (NM_001171653.2); short protein forms L415F, L439F.
Identifiers: ClinVar variation 1312884 (VCV001312884.2), dbSNP rs2149877328, ClinGen allele CA348712122.

ClinVar aggregate classification (germline): Uncertain significance (1 of 4 stars; one submission).

Submission:

GeneDx
Classification: Uncertain significance. Last evaluated: 2020-07-06. Review status: criteria provided, single submitter. Criteria: GeneDx Variant Classification Process June 2021. Collection method: clinical testing. Allele origin: germline. Affected: yes.
Comment: Not observed in large population cohorts (Lek et al., 2016); In silico analysis supports that this missense variant does not alter protein structure/function; Has not been previously published as pathogenic or benign to our knowledge